The following is an entry in ClinVar:

NM_000179.3(MSH6):c.1957_1960dup (p.Met654fs)

Gene: MSH6 (mutS homolog 6; plus strand). Cytogenetic location: 2p16.3.
Variant type: Duplication.
Coding change: c.1957_1960dup on transcript NM_000179.3 (MANE Select); coding-DNA positions 1957 to 1960, 4 bases duplicated (GTGA; older notation c.1957_1960dupGTGA).
Protein change: p.Met654fs; shifts the reading frame from methionine 654.
Molecular consequence: frameshift variant.
Genome position (GRCh38, 1-based): chr2:47,799,940-47,799,943, GTGA duplicated. VCF-style (leftmost placement, unchanged base first): chr2-47799939-G-GGTGA. GRCh37 (hg19) VCF-style: chr2-48027078-G-GGTGA.
Other names: c.1567_1570dup, p.Met524fs (NM_001281492.2); c.1051_1054dup, p.Met352fs (NM_001281493.2, NM_001281494.2); c.1957_1960dupGTGA (NM_000179.2); short protein forms M352fs, M524fs, M654fs.
Identifiers: ClinVar variation 89235 (VCV000089235.18), dbSNP rs63751167, ClinGen allele CA009492.

ClinVar aggregate classification (germline): Pathogenic. Review status: reviewed by expert panel (3 of 4 stars). 5 submissions from 5 submitters: Pathogenic (1). 4 of the submissions do not count toward it. Last evaluated 2013-09-05.

Conditions:
Hereditary nonpolyposis colorectal neoplasms. Identifiers: MedGen C0009405, MeSH D003123.
Lynch syndrome. Identifiers: Orphanet 144, MedGen C4552100, MONDO:0005835. Disease mechanism: loss of function.
Lynch syndrome 5 (LYNCH5). Also called: Colorectal cancer, hereditary nonpolyposis, type 5; Hereditary non-polyposis colorectal cancer, type 5. Identifiers: Orphanet 144, MedGen C1833477, MONDO:0013710, OMIM 614350. Disease mechanism: loss of function.
Hereditary cancer-predisposing syndrome. Also called: Tumor predisposition; Hereditary Cancer Syndrome; Hereditary neoplastic syndrome; Neoplastic Syndromes, Hereditary. Identifiers: Orphanet 140162, MedGen C0027672, MeSH D009386, MONDO:0015356.

Submissions (5):

International Society for Gastrointestinal Hereditary Tumours (InSiGHT)
Classification: Pathogenic for Lynch Syndrome. Last evaluated: 2013-09-05. Review status: reviewed by expert panel. Criteria: Guidelines v1.9. Collection method: research. Allele origin: germline.
Comment: Coding sequence variation resulting in a stop codon

Classified with v1.9 guidelines

Ambry Genetics
Classification: Pathogenic for Hereditary cancer-predisposing syndrome. Last evaluated: 2025-03-18. Review status: criteria provided, single submitter. Criteria: Ambry Variant Classification Scheme 2023. Collection method: clinical testing. Allele origin: germline. Not counted in ClinVar's aggregate classification.
Comment: The c.1957_1960dupGTGA pathogenic mutation, located in coding exon 4 of the MSH6 gene, results from a duplication of GTGA at nucleotide position 1957, causing a translational frameshift with a predicted alternate stop codon (p.M654Sfs*8). This variant is considered to be rare based on population cohorts in the Genome Aggregation Database (gnomAD). In addition, this alteration is expected to result in loss of function by premature protein truncation or nonsense-mediated mRNA decay. As such, this alteration is interpreted as a disease-causing mutation.

Labcorp Genetics (formerly Invitae), Labcorp
Classification: Pathogenic for Hereditary nonpolyposis colorectal neoplasms. Last evaluated: 2024-07-16. Review status: criteria provided, single submitter. Criteria: Invitae Variant Classification Sherloc (09022015). Collection method: clinical testing. Allele origin: germline. Not counted in ClinVar's aggregate classification.
Comment: This sequence change creates a premature translational stop signal (p.Met654Serfs*8) in the MSH6 gene. It is expected to result in an absent or disrupted protein product. Loss-of-function variants in MSH6 are known to be pathogenic (PMID: 18269114, 24362816). This variant is not present in population databases (gnomAD no frequency). This premature translational stop signal has been observed in individual(s) with Lynch syndrome (PMID: 14574004). ClinVar contains an entry for this variant (Variation ID: 89235). Algorithms developed to predict the effect of sequence changes on RNA splicing suggest that this variant may create or strengthen a splice site. For these reasons, this variant has been classified as Pathogenic.

Color Diagnostics, LLC DBA Color Health
Classification: Pathogenic for Hereditary cancer-predisposing syndrome. Last evaluated: 2024-01-22. Review status: criteria provided, single submitter. Criteria: ACMG Guidelines, 2015. Collection method: clinical testing. Allele origin: germline. Not counted in ClinVar's aggregate classification.
Comment: This variant inserts 4 nucleotides in exon 4 of the MSH6 gene, creating a frameshift and premature translation stop signal. This variant is expected to result in an absent or non-functional protein product. This variant has been reported in a cohort of individuals affected with typical or atypical hereditary non-polyposis colorectal cancer (PMID: 14574004). This variant has not been identified in the general population by the Genome Aggregation Database (gnomAD). Loss of MSH6 function is a known mechanism of disease. Based on the available evidence, this variant is classified as Pathogenic.

Myriad Genetics, Inc.
Classification: Pathogenic for Lynch syndrome 5. Last evaluated: 2023-08-16. Review status: criteria provided, single submitter. Criteria: Myriad Autosomal Dominant, Autosomal Recessive and X-Linked Classification Criteria (2023). Collection method: clinical testing. Allele origin: unknown. Not counted in ClinVar's aggregate classification.
Comment: This variant is considered pathogenic. This variant creates a frameshift predicted to result in premature protein truncation.

Literature cited by the submitters: PubMed 18269114 (cited by Labcorp Genetics (formerly Invitae), Labcorp); PubMed 24362816 (cited by Labcorp Genetics (formerly Invitae), Labcorp); PubMed 14574004 (cited by Labcorp Genetics (formerly Invitae), Labcorp and Color Diagnostics, LLC DBA Color Health).